The following is an entry in ClinVar:

NM_001164665.2(KIAA1549):c.3079A>G (p.Thr1027Ala)

Gene: KIAA1549 (KIAA1549; minus strand). Cytogenetic location: 7q34.
Variant type: single nucleotide variant.
Coding change: c.3079A>G on transcript NM_001164665.2 (MANE Select); coding-DNA position 3079, A replaced by G.
Protein change: p.Thr1027Ala; replaces threonine 1027 with alanine.
Molecular consequence: missense variant.
Genome position (GRCh38, 1-based): chr7:138,911,212, T>C on the plus strand (A>G on the coding strand, the complement: KIAA1549 is on the minus strand). VCF-style: chr7-138911212-T-C. GRCh37 (hg19) VCF-style: chr7-138595958-T-C.
Other names: c.3079A>G, p.Thr1027Ala (NM_020910.3); short protein forms T1027A.
Identifiers: ClinVar variation 1003812 (VCV001003812.5), dbSNP rs368169470, ClinGen allele CA4506322.

ClinVar aggregate classification (germline): Uncertain significance. Review status: criteria provided, multiple submitters, no conflicts (2 of 4 stars). 2 submissions from 2 submitters: Uncertain significance (2). Last evaluated 2021-11-26.

Allele frequency attached by ClinVar (database versions not stated): gnomAD exomes below 0.00001; ExAC 0.00002; gnomAD 0.00002 and 0.00003; TOPMed 0.00002; ESP Exome Variant Server 0.00008.
gnomAD v4.1: 4 of 1,599,012 alleles (0.00025%); highest among the groups gnomAD compares: African/African-American, 0.0054%; no homozygotes.

Submissions (2):

Blueprint Genetics
Classification: Uncertain significance. Last evaluated: 2021-11-26. Review status: criteria provided, single submitter. Criteria: ACMG Guidelines, 2015. Collection method: clinical testing. Allele origin: germline.

Labcorp Genetics (formerly Invitae), Labcorp
Classification: Uncertain significance. Last evaluated: 2021-09-16. Review status: criteria provided, single submitter. Criteria: Invitae Variant Classification Sherloc (09022015). Collection method: clinical testing. Allele origin: germline.
Comment: This sequence change replaces threonine with alanine at codon 1027 of the KIAA1549 protein (p.Thr1027Ala). The threonine residue is moderately conserved and there is a small physicochemical difference between threonine and alanine. This variant is present in population databases (rs368169470, ExAC 0.02%). This variant has not been reported in the literature in individuals affected with KIAA1549-related conditions. Algorithms developed to predict the effect of missense changes on protein structure and function output the following: SIFT: "Tolerated"; PolyPhen-2: "Benign"; Align-GVGD: "Class C0". The alanine amino acid residue is found in multiple mammalian species, which suggests that this missense change does not adversely affect protein function. In summary, the available evidence is currently insufficient to determine the role of this variant in disease. Therefore, it has been classified as a Variant of Uncertain Significance.